The following is an entry in ClinVar:

NM_002691.4(POLD1):c.3290G>A (p.Arg1097Gln)

Gene: POLD1 (DNA polymerase delta 1, catalytic subunit; plus strand). Cytogenetic location: 19q13.33.
Variant type: single nucleotide variant.
Coding change: c.3290G>A on transcript NM_002691.4 (MANE Select); coding-DNA position 3290, G replaced by A.
Protein change: p.Arg1097Gln; replaces arginine 1097 with glutamine.
Molecular consequence: missense variant. On other transcripts: non-coding transcript variant (1).
Genome position (GRCh38, 1-based): chr19:50,417,913, G>A. VCF-style: chr19-50417913-G-A. GRCh37 (hg19) VCF-style: chr19-50921170-G-A.
Other names: c.3290G>A, p.Arg1097Gln (NM_001256849.1); c.3368G>A, p.Arg1123Gln (NM_001308632.1); c.3290G>A (NM_002691.2); short protein forms R1097Q, R1123Q.
Identifiers: ClinVar variation 239340 (VCV000239340.21), dbSNP rs375328523, ClinGen allele CA9596838.
Genomic context (GRCh38, chr19:50,417,913, plus strand): 5'-CCATCTTCTACATGCGCAAGAAGGTGCGGAAGGACCTGGAAGACCAGGAGCAGCTCCTGC[G>A]GCGCTTCGGACCCCCTGGACCTGAGGCCTGGTGACCTTGCAAGCATCCCATGGGGCGGGG-3'
Protein context (NP_002682.2, residues 1087-1107): KDLEDQEQLL[Arg1097Gln]RFGPPGPEAW

ClinVar aggregate classification (germline): Conflicting classifications of pathogenicity. Review status: criteria provided, conflicting classifications (1 of 4 stars). 7 submissions from 7 submitters: Uncertain significance (5); Likely benign (1). 1 of the submissions does not count toward it. Last evaluated 2026-01-25.

Conditions:
POLD1-related disorder. Also called: POLD1-related condition; POLD1-related disorders.
POLD1-related polyposis and colorectal cancer syndrome (CRCS10). Also called: COLORECTAL CANCER, SUSCEPTIBILITY TO, ON CHROMOSOME 19q; Colorectal cancer 10; Colorectal cancer, susceptibility to, 10. Identifiers: Orphanet 220460, MedGen C2675481, MONDO:0012953, OMIM 612591.
Polymerase proofreading-related adenomatous polyposis. Also called: Polymerase proofreading associated polyposis; Polymerase proofreading–associated polyposis (PPAP). Identifiers: Orphanet 447877, MedGen C5202613, MONDO:0018653.
Hereditary cancer-predisposing syndrome. Also called: Hereditary Cancer Syndrome; Neoplastic Syndromes, Hereditary; Hereditary neoplastic syndrome; Tumor predisposition. Identifiers: Orphanet 140162, MedGen C0027672, MeSH D009386, MONDO:0015356.

Allele frequency attached by ClinVar (database versions not stated): gnomAD 0.00001; TOPMed 0.00002; gnomAD exomes 0.00003; ExAC 0.00005; ESP Exome Variant Server 0.00015.
gnomAD v4.1: 39 of 1,611,248 alleles (0.0024%); highest among the groups gnomAD compares: South Asian, 0.028%; no homozygotes.

Submissions (7):

Labcorp Genetics (formerly Invitae), Labcorp
Classification: Uncertain significance for POLD1-related polyposis and colorectal cancer syndrome. Last evaluated: 2026-01-25. Review status: criteria provided, single submitter. Criteria: Invitae Variant Classification Sherloc (09022015). Collection method: clinical testing. Allele origin: germline.
Comment: This sequence change replaces arginine, which is basic and polar, with glutamine, which is neutral and polar, at codon 1097 of the POLD1 protein (p.Arg1097Gln). This variant is present in population databases (rs375328523, gnomAD 0.02%). This variant has not been reported in the literature in individuals affected with POLD1-related conditions. ClinVar contains an entry for this variant (Variation ID: 239340). Invitae Evidence Modeling of protein sequence and biophysical properties (such as structural, functional, and spatial information, amino acid conservation, physicochemical variation, residue mobility, and thermodynamic stability) indicates that this missense variant is not expected to disrupt POLD1 protein function with a negative predictive value of 80%. In summary, the available evidence is currently insufficient to determine the role of this variant in disease. Therefore, it has been classified as a Variant of Uncertain Significance.

Ambry Genetics
Classification: Likely benign for Hereditary cancer-predisposing syndrome. Last evaluated: 2024-10-17. Review status: criteria provided, single submitter. Criteria: Ambry Variant Classification Scheme 2023. Collection method: clinical testing. Allele origin: germline.

GeneDx
Classification: Uncertain significance. Last evaluated: 2023-12-06. Review status: criteria provided, single submitter. Criteria: GeneDx Variant Classification Process June 2021. Collection method: clinical testing. Allele origin: germline. Affected: yes.
Comment: In silico analysis supports that this missense variant does not alter protein structure/function; Has not been previously published as pathogenic or benign to our knowledge; This variant is associated with the following publications: (PMID: 29056344)

Department of Pathology and Laboratory Medicine, Sinai Health System
Classification: Uncertain significance for Polymerase proofreading-related adenomatous polyposis. Last evaluated: 2022-12-19. Review status: criteria provided, single submitter. Criteria: ACMG Guidelines, 2015. Collection method: clinical testing. Allele origin: germline. Affected: yes.

Blueprint Genetics
Classification: Uncertain significance. Last evaluated: 2022-06-30. Review status: criteria provided, single submitter. Criteria: ACMG Guidelines, 2015. Collection method: clinical testing. Allele origin: germline.

Quest Diagnostics Nichols Institute San Juan Capistrano
Classification: Uncertain significance. Last evaluated: 2019-04-09. Review status: criteria provided, single submitter. Criteria: Quest Diagnostics criteria. Collection method: clinical testing. Allele origin: germline.

PreventionGenetics, part of Exact Sciences
Classification: Uncertain significance for POLD1-related condition. Last evaluated: 2024-07-05. Review status: no assertion criteria provided. Collection method: clinical testing. Allele origin: germline. Not counted in ClinVar's aggregate classification.
Comment: The POLD1 c.3290G>A variant is predicted to result in the amino acid substitution p.Arg1097Gln. To our knowledge, this variant has not been reported in the literature. This variant is reported in 0.020% of alleles in individuals of South Asian descent in gnomAD and has been interpreted as uncertain significance in the ClinVar database with multiple submitters in agreement. At this time, the clinical significance of this variant is uncertain due to the absence of conclusive functional and genetic evidence.